The following is an entry in ClinVar:

ClinVar aggregate classification (germline): Uncertain significance (1 of 4 stars; one submission).

Submission:

Labcorp Genetics (formerly Invitae), Labcorp
Classification: Uncertain significance. Last evaluated: 2021-11-09. Review status: criteria provided, single submitter. Criteria: Invitae Variant Classification Sherloc (09022015). Collection method: clinical testing. Allele origin: germline.
Comment: This variant has not been reported in the literature in individuals affected with HPS6-related conditions. This sequence change replaces arginine, which is basic and polar, with glycine, which is neutral and non-polar, at codon 33 of the HPS6 protein (p.Arg33Gly). This variant is not present in population databases (gnomAD no frequency). Algorithms developed to predict the effect of missense changes on protein structure and function are either unavailable or do not agree on the potential impact of this missense change (SIFT: "Tolerated"; PolyPhen-2: "Possibly Damaging"; Align-GVGD: "Class C0"). In summary, the available evidence is currently insufficient to determine the role of this variant in disease. Therefore, it has been classified as a Variant of Uncertain Significance.

NM_024747.6(HPS6):c.97C>G (p.Arg33Gly)

Genes: HPS6 (HPS6 biogenesis of lysosomal organelles complex 2 subunit 3; plus strand), LOC130004578 (ATAC-STARR-seq lymphoblastoid silent region 2738; plus strand). Cytogenetic location: 10q24.32.
Variant type: single nucleotide variant.
Coding change: c.97C>G on transcript NM_024747.6 (MANE Select); coding-DNA position 97, C replaced by G.
Protein change: p.Arg33Gly; replaces arginine 33 with glycine.
Molecular consequence: missense variant.
Genome position (GRCh38, 1-based): chr10:102,065,571, C>G. VCF-style: chr10-102065571-C-G. GRCh37 (hg19) VCF-style: chr10-103825328-C-G.
Other names: short protein forms R33G.
Identifiers: ClinVar variation 1517193 (VCV001517193.6), dbSNP rs2136333690, ClinGen allele CA377854315.